The following is an entry in ClinVar:

NM_000551.4(VHL):c.408T>G (p.Phe136Leu)

Genes: VHL (von Hippel-Lindau tumor suppressor; plus strand), LOC107303340 (3p25 von Hippel-Lindau tumor suppressor, E3 ubiquitin protein ligase Alu-mediated recombination region; plus strand). Cytogenetic location: 3p25.3.
Variant type: single nucleotide variant.
Coding change: c.408T>G on transcript NM_000551.4 (MANE Select); coding-DNA position 408, T replaced by G.
Protein change: p.Phe136Leu; replaces phenylalanine 136 with leucine.
Molecular consequence: missense variant. On other transcripts: intron variant (2).
Genome position (GRCh38, 1-based): chr3:10,146,581, T>G. VCF-style: chr3-10146581-T-G. GRCh37 (hg19) VCF-style: chr3-10188265-T-G.
Other names: c.*18-3206T>G (NM_001354723.2); c.341-3206T>G (NM_198156.3); short protein forms F136L.
Identifiers: ClinVar variation 238107 (VCV000238107.30), dbSNP rs878854125, ClinGen allele CA10582115.

ClinVar aggregate classification (germline): Uncertain significance. Review status: criteria provided, multiple submitters, no conflicts (2 of 4 stars). 6 submissions from 6 submitters: Uncertain significance (6). Last evaluated 2026-03-17.

Conditions:
Hereditary cancer-predisposing syndrome. Also called: Tumor predisposition; Hereditary Cancer Syndrome; Neoplastic Syndromes, Hereditary; Hereditary neoplastic syndrome. Identifiers: Orphanet 140162, MedGen C0027672, MeSH D009386, MONDO:0015356.
Von Hippel-Lindau syndrome (VHLS). Also called: von Hippel–Lindau syndrome; VHL syndrome; Von Hippel-Lindau. Identifiers: Orphanet 892, MedGen C0019562, MONDO:0008667, OMIM 193300. Disease mechanism: loss of function.
Chuvash polycythemia. Also called: POLYCYTHEMIA, VHL-DEPENDENT. Identifiers: Orphanet 238557, MedGen C1837915, MONDO:0009892, OMIM 263400.
Nonpapillary renal cell carcinoma. Identifiers: Orphanet 422526, MedGen CN074294, MONDO:0007763, OMIM 144700.
Pheochromocytoma. Also called: MAX-Related Hereditary Paraganglioma-Pheochromocytoma Syndrome. Identifiers: Orphanet 29072, MedGen C0031511, MONDO:0008233, OMIM 171300, HP:0002666.

Allele frequency attached by ClinVar (database versions not stated): gnomAD exomes below 0.00001; gnomAD 0.00001.
gnomAD v4.1: 7 of 1,613,940 alleles (0.00043%); highest among the groups gnomAD compares: Non-Finnish European, 0.00059%; no homozygotes.

Submissions (6):

Ambry Genetics
Classification: Uncertain significance for Hereditary cancer-predisposing syndrome. Last evaluated: 2026-03-17. Review status: criteria provided, single submitter. Criteria: Ambry Variant Classification Scheme 2023. Collection method: clinical testing. Allele origin: germline.
Comment: The p.F136L variant (also known as c.408T>G), located in coding exon 2 of the VHL gene, results from a T to G substitution at nucleotide position 408. The phenylalanine at codon 136 is replaced by leucine, an amino acid with highly similar properties. A functional study showed that this variant is likely to cause misfolding of the pVHL protein and reduce the ability to bind to its target HIF-1alpha therefore is defective in protein function (Shmueli MD et al. PLoS ONE. 2013 Jun;8:e66333; Shmueli MD et al. Oncogene. 2019 02;38:1038-1049). This amino acid position is highly conserved in available vertebrate species. In addition, this alteration is predicted to be deleterious by in silico analysis. Based on the available evidence, the clinical significance of this variant remains unclear.

Color Diagnostics, LLC DBA Color Health
Classification: Uncertain significance for Von Hippel-Lindau syndrome. Last evaluated: 2025-10-07. Review status: criteria provided, single submitter. Criteria: ACMG Guidelines, 2015. Collection method: clinical testing. Allele origin: germline.
Comment: This missense variant replaces phenylalanine with leucine at codon 136 of the VHL protein. Computational prediction suggests that this variant may have deleterious impact on protein structure and function. Functional studies have reported conflicting findings for this variant protein with a haploid cell proliferation assay finding no impact (PMID: 38969834) and another study reporting that the variant is unstable and has a high propensity to misfold and aggregate with a decrease in HIF-1a binding (PMID: 23840444, 30194449). This variant has not been reported in individuals affected with VHL-related disorders in the literature. Two other missense variants at this codon, p.Phe136Val and p.Phe136Ser, have been reported as disease-causing in ClinVar (variation ID: 496064, 1737544). This variant has been identified in 7/1613940 chromosomes in the general population by the Genome Aggregation Database (gnomAD). The available evidence is insufficient to determine the role of this variant in disease conclusively. Therefore, this variant is classified as a Variant of Uncertain Significance.

Labcorp Genetics (formerly Invitae), Labcorp
Classification: Uncertain significance for Von Hippel-Lindau syndrome; Chuvash polycythemia. Last evaluated: 2025-08-31. Review status: criteria provided, single submitter. Criteria: Invitae Variant Classification Sherloc (09022015). Collection method: clinical testing. Allele origin: germline.
Comment: This sequence change replaces phenylalanine, which is neutral and non-polar, with leucine, which is neutral and non-polar, at codon 136 of the VHL protein (p.Phe136Leu). This variant is present in population databases (no rsID available, gnomAD 0.0009%). This variant has not been reported in the literature in individuals affected with VHL-related conditions. ClinVar contains an entry for this variant (Variation ID: 238107). Invitae Evidence Modeling of protein sequence and biophysical properties (such as structural, functional, and spatial information, amino acid conservation, physicochemical variation, residue mobility, and thermodynamic stability) indicates that this missense variant is expected to disrupt VHL protein function with a positive predictive value of 95%. Experimental studies have shown that this missense change affects VHL function (PMID: 23840444). This variant disrupts the p.Phe136 amino acid residue in VHL. Other variant(s) that disrupt this residue have been determined to be pathogenic (PMID: 12202531, 12624160, 15300849, 17024664). This suggests that this residue is clinically significant, and that variants that disrupt this residue are likely to be disease-causing. In summary, the available evidence is currently insufficient to determine the role of this variant in disease. Therefore, it has been classified as a Variant of Uncertain Significance.

CeGaT Center for Human Genetics Tuebingen
Classification: Uncertain significance. Last evaluated: 2025-04-01. Review status: criteria provided, single submitter. Criteria: CeGaT Center For Human Genetics Tuebingen Variant Classification Criteria Version 2. Collection method: clinical testing. Allele origin: germline. Affected: yes. Observed: 1 variant allele.
Comment: VHL: PM1, PM5, PS3:Supporting

Fulgent Genetics
Classification: Uncertain significance for Nonpapillary renal cell carcinoma; Pheochromocytoma; Von Hippel-Lindau syndrome; Chuvash polycythemia. Last evaluated: 2022-04-02. Review status: criteria provided, single submitter. Criteria: ACMG Guidelines, 2015. Collection method: clinical testing. Allele origin: unknown.

GeneDx
Classification: Uncertain significance. Last evaluated: 2020-02-11. Review status: criteria provided, single submitter. Criteria: GeneDx Variant Classification Process June 2021. Collection method: clinical testing. Allele origin: germline. Affected: yes.
Comment: Not observed at a significant frequency in large population cohorts (Lek 2016); In silico analysis supports that this missense variant has a deleterious effect on protein structure/function; Observed in an individual with breast and/or ovarian cancer (Maxwell 2016); This variant is associated with the following publications: (PMID: 30194449, 23819521, 20052764, 28188106, 27153395, 15932632, 20151405, 23840444)

Literature cited by the submitters: PubMed 23840444 (cited by 3 submitters); PubMed 30194449 (cited by Ambry Genetics and Color Diagnostics, LLC DBA Color Health); PubMed 31368132 (cited by Ambry Genetics); PubMed 38969834 (cited by Ambry Genetics and Color Diagnostics, LLC DBA Color Health); PubMed 12202531 (cited by Labcorp Genetics (formerly Invitae), Labcorp); PubMed 12624160 (cited by Labcorp Genetics (formerly Invitae), Labcorp); PubMed 15300849 (cited by Labcorp Genetics (formerly Invitae), Labcorp); PubMed 17024664 (cited by Labcorp Genetics (formerly Invitae), Labcorp).